The following is an entry in ClinVar:

ClinVar aggregate classification (germline): Uncertain significance. Review status: criteria provided, multiple submitters, no conflicts (2 of 4 stars). 2 submissions from 2 submitters: Uncertain significance (2). Last evaluated 2026-06-27.

Conditions:
TMEM67-related disorder. Also called: TMEM67-related disorders; TMEM67-related condition. Identifiers: MedGen CN239423.

gnomAD v4.1: 38 of 1,613,272 alleles (0.0024%); highest among the groups gnomAD compares: South Asian, 0.033%; 2 homozygotes.

Submissions (2):

PreventionGenetics, part of Exact Sciences
Classification: Uncertain significance for TMEM67-related condition. Last evaluated: 2026-06-27. Review status: criteria provided, single submitter. Criteria: ACMG Guidelines, 2015. Collection method: clinical testing. Allele origin: germline.
Comment: The TMEM67 c.1499C>T variant is predicted to result in the amino acid substitution p.Ala500Val. To our knowledge, this variant has not been reported in the literature. This variant is reported in 0.0098% of alleles in individuals of South Asian descent in gnomAD. At this time, the clinical significance of this variant is uncertain due to the absence of conclusive functional and genetic evidence.

Blueprint Genetics
Classification: Uncertain significance. Last evaluated: 2020-09-22. Review status: criteria provided, single submitter. Criteria: ACMG Guidelines, 2015. Collection method: clinical testing. Allele origin: germline.

NM_153704.6(TMEM67):c.1499C>T (p.Ala500Val)

Gene: TMEM67 (transmembrane protein 67; plus strand). Cytogenetic location: 8q22.1.
Variant type: single nucleotide variant.
Coding change: c.1499C>T on transcript NM_153704.6 (MANE Select); coding-DNA position 1499, C replaced by T.
Protein change: p.Ala500Val; replaces alanine 500 with valine.
Molecular consequence: missense variant. On other transcripts: non-coding transcript variant (1).
Genome position (GRCh38, 1-based): chr8:93,787,930, C>T. VCF-style: chr8-93787930-C-T. GRCh37 (hg19) VCF-style: chr8-94800158-C-T.
Other names: c.1256C>T, p.Ala419Val (NM_001142301.1); short protein forms A419V, A500V.
Identifiers: ClinVar variation 4901064 (VCV004901064.2).